The following is an entry in ClinVar:

NM_144997.7(FLCN):c.-3A>G

Gene: FLCN (folliculin; minus strand). Cytogenetic location: 17p11.2.
Variant type: single nucleotide variant.
Coding change: c.-3A>G on transcript NM_144997.7 (MANE Select); 3 bases upstream of the start codon, A replaced by G.
Molecular consequence: 5 prime UTR variant.
Genome position (GRCh38, 1-based): chr17:17,228,140, T>C on the plus strand (A>G on the coding strand, the complement: FLCN is on the minus strand). VCF-style: chr17-17228140-T-C. GRCh37 (hg19) VCF-style: chr17-17131454-T-C.
Other names: c.-3A>G (NM_001353229.2, NM_001353230.2, NM_001353231.2 and 1 more transcripts).
Identifiers: ClinVar variation 4871393 (VCV004871393.1).
Genomic context (GRCh38, chr17:17,228,140, plus strand): 5'-AGAGAGTGCGGGGGCCGTGGAGCTCGCAGAAGTGGCAGAGAGCCACGATGGCATTCATGG[T>C]GCCTTGGAGACTGCAACAGGCCTGCGTGGGACAGGGGACATGTCAGCTTGCCAATGCCTA-3'

ClinVar aggregate classification (germline): Uncertain significance (1 of 4 stars; one submission).

Conditions:
Hereditary cancer-predisposing syndrome. Also called: Neoplastic Syndromes, Hereditary; Hereditary Cancer Syndrome; Hereditary neoplastic syndrome; Tumor predisposition. Identifiers: Orphanet 140162, MedGen C0027672, MeSH D009386, MONDO:0015356.

gnomAD v4.1: 1 of 1,612,430 alleles (0.000062%); highest among the groups gnomAD compares: Non-Finnish European, 0.000085%; no homozygotes.

Submission:

Ambry Genetics
Classification: Uncertain significance for Hereditary cancer-predisposing syndrome. Last evaluated: 2026-05-26. Review status: criteria provided, single submitter. Criteria: Ambry Variant Classification Scheme 2023. Collection method: clinical testing. Allele origin: germline.
Comment: The c.-3A>G variant is located in the 5' untranslated region (5&rsquo; UTR) of the FLCN gene. This variant results from an A to G substitution 3 bases upstream from the first translated codon. This nucleotide position is well conserved in available vertebrate species. Based on the available evidence, the clinical significance of this variant remains unclear.